The following is an entry in ClinVar:

ClinVar aggregate classification (germline): Uncertain significance. Review status: criteria provided, multiple submitters, no conflicts (2 of 4 stars). 3 submissions from 3 submitters: Uncertain significance (3). Last evaluated 2025-05-25.

Conditions:
Cardiovascular phenotype. Identifiers: MedGen CN230736.
Osteogenesis imperfecta type I (OI1). Also called: Lobstein's Disease; Classic Non-deforming Osteogenesis Imperfecta with Blue Sclerae; OI, TYPE I; OSTEOGENESIS IMPERFECTA TARDA; OSTEOGENESIS IMPERFECTA WITH BLUE SCLERAE; Lobstein disease. Identifiers: Orphanet 216796, Orphanet 666, MedGen C0023931, MONDO:0008146, OMIM 166200. Disease mechanism: loss of function.

Allele frequency attached by ClinVar (database versions not stated): gnomAD exomes below 0.00001; ExAC 0.00001; TOPMed 0.00001; gnomAD 0.00003 and 0.00004.
gnomAD v4.1: 34 of 1,613,886 alleles (0.0021%); highest among the groups gnomAD compares: Non-Finnish European, 0.0025%; no homozygotes.

Submissions (3):

Ambry Genetics
Classification: Uncertain significance for Cardiovascular phenotype. Last evaluated: 2025-05-25. Review status: criteria provided, single submitter. Criteria: Ambry Variant Classification Scheme 2023. Collection method: clinical testing. Allele origin: germline.
Comment: The p.R1405H variant (also known as c.4214G>A), located in coding exon 50 of the COL1A1 gene, results from a G to A substitution at nucleotide position 4214. The arginine at codon 1405 is replaced by histidine, an amino acid with highly similar properties. This variant was reported in an individual referred for Ehlers-Danlos syndrome genetic testing; however, clinical details were not provided (Pajusalu S et al. Clin Genet. 2018 Jan;93(1):78-83). This amino acid position is highly conserved in available vertebrate species. In addition, this alteration is predicted to be deleterious by in silico analysis. Based on the available evidence, the clinical significance of this variant remains unclear.

Labcorp Genetics (formerly Invitae), Labcorp
Classification: Uncertain significance for Osteogenesis imperfecta type I. Last evaluated: 2025-04-18. Review status: criteria provided, single submitter. Criteria: Invitae Variant Classification Sherloc (09022015). Collection method: clinical testing. Allele origin: germline.
Comment: This sequence change replaces arginine, which is basic and polar, with histidine, which is basic and polar, at codon 1405 of the COL1A1 protein (p.Arg1405His). This variant is present in population databases (rs770826227, gnomAD 0.002%). This variant has not been reported in the literature in individuals affected with COL1A1-related conditions. ClinVar contains an entry for this variant (Variation ID: 971128). Invitae Evidence Modeling of protein sequence and biophysical properties (such as structural, functional, and spatial information, amino acid conservation, physicochemical variation, residue mobility, and thermodynamic stability) has been performed for this missense variant. However, the output from this modeling did not meet the statistical confidence thresholds required to predict the impact of this variant on COL1A1 protein function. In summary, the available evidence is currently insufficient to determine the role of this variant in disease. Therefore, it has been classified as a Variant of Uncertain Significance.

ARUP Laboratories, Molecular Genetics and Genomics, ARUP Laboratories
Classification: Uncertain significance. Last evaluated: 2024-03-27. Review status: criteria provided, single submitter. Criteria: ARUP Molecular Germline Variant Investigation Process 2024. Collection method: clinical testing. Allele origin: germline.
Comment: The COL1A1 c.4214G>A; p.Arg1405His variant (rs770826227), to our knowledge, is not reported in the medical literature but is reported in ClinVar (Variation ID: 971128). This variant is only observed on two alleles in the Genome Aggregation Database (v2.1.1), indicating it is not a common polymorphism. Computational analyses predict that this variant is deleterious (REVEL: 0.809). Due to limited information, the clinical significance of this variant is uncertain at this time.

Literature cited by the submitters: PubMed 28378410 (cited by Ambry Genetics).

NM_000088.4(COL1A1):c.4214G>A (p.Arg1405His)

Gene: COL1A1 (collagen type I alpha 1 chain; minus strand). Cytogenetic location: 17q21.33.
Variant type: single nucleotide variant.
Coding change: c.4214G>A on transcript NM_000088.4 (MANE Select); coding-DNA position 4214, G replaced by A.
Protein change: p.Arg1405His; replaces arginine 1405 with histidine.
Molecular consequence: missense variant.
Genome position (GRCh38, 1-based): chr17:50,185,812, C>T on the plus strand (G>A on the coding strand, the complement: COL1A1 is on the minus strand). VCF-style: chr17-50185812-C-T. GRCh37 (hg19) VCF-style: chr17-48263173-C-T.
Other names: short protein forms R1405H.
Identifiers: ClinVar variation 971128 (VCV000971128.12), dbSNP rs770826227, ClinGen allele CA8644226.